The following is an entry in ClinVar:

ClinVar aggregate classification (germline): Uncertain significance. Review status: criteria provided, multiple submitters, no conflicts (2 of 4 stars). 2 submissions from 2 submitters: Uncertain significance (2). Last evaluated 2025-05-20.

Conditions:
Hereditary nonpolyposis colorectal neoplasms. Identifiers: MedGen C0009405, MeSH D003123.
Hereditary cancer-predisposing syndrome. Also called: Hereditary Cancer Syndrome; Hereditary neoplastic syndrome; Neoplastic Syndromes, Hereditary; Tumor predisposition. Identifiers: Orphanet 140162, MedGen C0027672, MeSH D009386, MONDO:0015356.

Submissions (2):

Ambry Genetics
Classification: Uncertain significance for Hereditary cancer-predisposing syndrome. Last evaluated: 2025-05-20. Review status: criteria provided, single submitter. Criteria: Ambry Variant Classification Scheme 2023. Collection method: clinical testing. Allele origin: germline.
Comment: The p.C1275F variant (also known as c.3824G>T), located in coding exon 9 of the MSH6 gene, results from a G to T substitution at nucleotide position 3824. The cysteine at codon 1275 is replaced by phenylalanine, an amino acid with highly dissimilar properties. This amino acid position is well conserved in available vertebrate species. In addition, the in silico prediction for this alteration is inconclusive. Based on the available evidence, the clinical significance of this variant remains unclear.

Labcorp Genetics (formerly Invitae), Labcorp
Classification: Uncertain significance for Hereditary nonpolyposis colorectal neoplasms. Last evaluated: 2023-12-11. Review status: criteria provided, single submitter. Criteria: Invitae Variant Classification Sherloc (09022015). Collection method: clinical testing. Allele origin: germline.
Comment: This sequence change replaces cysteine, which is neutral and slightly polar, with phenylalanine, which is neutral and non-polar, at codon 1275 of the MSH6 protein (p.Cys1275Phe). This variant is not present in population databases (gnomAD no frequency). This variant has not been reported in the literature in individuals affected with MSH6-related conditions. ClinVar contains an entry for this variant (Variation ID: 455295). Advanced modeling of protein sequence and biophysical properties (such as structural, functional, and spatial information, amino acid conservation, physicochemical variation, residue mobility, and thermodynamic stability) performed at Invitae indicates that this missense variant is not expected to disrupt MSH6 protein function with a negative predictive value of 95%. In summary, the available evidence is currently insufficient to determine the role of this variant in disease. Therefore, it has been classified as a Variant of Uncertain Significance.

NM_000179.3(MSH6):c.3824G>T (p.Cys1275Phe)

Gene: MSH6 (mutS homolog 6; plus strand). Cytogenetic location: 2p16.3.
Variant type: single nucleotide variant.
Coding change: c.3824G>T on transcript NM_000179.3 (MANE Select); coding-DNA position 3824, G replaced by T.
Protein change: p.Cys1275Phe; replaces cysteine 1275 with phenylalanine.
Molecular consequence: missense variant.
Genome position (GRCh38, 1-based): chr2:47,806,474, G>T. VCF-style: chr2-47806474-G-T. GRCh37 (hg19) VCF-style: chr2-48033613-G-T.
Other names: c.3434G>T, p.Cys1145Phe (NM_001281492.2); c.2918G>T, p.Cys973Phe (NM_001281493.2, NM_001281494.2); short protein forms C1275F, C1145F, C973F.
Identifiers: ClinVar variation 455295 (VCV000455295.13), dbSNP rs150990541, ClinGen allele CA346761258.